The following is an entry in ClinVar:

NM_001718.6(BMP6):c.280C>T (p.Arg94Trp)

Gene: BMP6 (bone morphogenetic protein 6; plus strand). Cytogenetic location: 6p24.3.
Variant type: single nucleotide variant.
Coding change: c.280C>T on transcript NM_001718.6 (MANE Select); coding-DNA position 280, C replaced by T.
Protein change: p.Arg94Trp; replaces arginine 94 with tryptophan.
Molecular consequence: missense variant.
Genome position (GRCh38, 1-based): chr6:7,727,235, C>T. VCF-style: chr6-7727235-C-T. GRCh37 (hg19) VCF-style: chr6-7727468-C-T.
Other names: short protein forms R94W.
Identifiers: ClinVar variation 2367395 (VCV002367395.5), dbSNP rs376922072, ClinGen allele CA3628497.

ClinVar aggregate classification (germline): Conflicting classifications of pathogenicity. Review status: criteria provided, conflicting classifications (1 of 4 stars). 2 submissions from 2 submitters: Uncertain significance (1); Benign (1). Last evaluated 2026-04-01.

Allele frequency attached by ClinVar (database versions not stated): gnomAD 0.00007; TOPMed 0.00011; ESP Exome Variant Server 0.00016.
gnomAD v4.1: 175 of 1,606,186 alleles (0.011%); highest among the groups gnomAD compares: Middle Eastern, 0.33%; 1 homozygote.

Submissions (2):

CeGaT Center for Human Genetics Tuebingen
Classification: Benign. Last evaluated: 2026-04-01. Review status: criteria provided, single submitter. Criteria: CeGaT Center For Human Genetics Tuebingen Variant Classification Criteria Version 2. Collection method: clinical testing. Allele origin: germline. Affected: yes. Observed: 1 variant allele.
Comment: BMP6: BS1, BS2

Ambry Genetics
Classification: Uncertain significance. Last evaluated: 2024-08-14. Review status: criteria provided, single submitter. Criteria: Ambry Variant Classification Scheme 2023. Collection method: clinical testing. Allele origin: germline.